The following is an entry in ClinVar:

NM_000138.5(FBN1):c.8441A>G (p.Tyr2814Cys)

Gene: FBN1 (fibrillin 1; minus strand). Cytogenetic location: 15q21.1.
Variant type: single nucleotide variant.
Coding change: c.8441A>G on transcript NM_000138.5 (MANE Select); coding-DNA position 8441, A replaced by G.
Protein change: p.Tyr2814Cys; replaces tyrosine 2814 with cysteine.
Molecular consequence: missense variant.
Genome position (GRCh38, 1-based): chr15:48,411,165, T>C on the plus strand (A>G on the coding strand, the complement: FBN1 is on the minus strand). VCF-style: chr15-48411165-T-C. GRCh37 (hg19) VCF-style: chr15-48703362-T-C.
Other names: short protein forms Y2814C.
Identifiers: ClinVar variation 1329520 (VCV001329520.3), dbSNP rs1597506745, ClinGen allele CA392319040.

ClinVar aggregate classification (germline): Uncertain significance (1 of 4 stars; one submission).

Allele frequency attached by ClinVar (database versions not stated): gnomAD exomes below 0.00001.
gnomAD v4.1: 4 of 1,614,108 alleles (0.00025%); highest among the groups gnomAD compares: Non-Finnish European, 0.00034%; no homozygotes.

Submission:

GeneDx
Classification: Uncertain significance. Last evaluated: 2024-08-28. Review status: criteria provided, single submitter. Criteria: GeneDx Variant Classification Process June 2021. Collection method: clinical testing. Allele origin: germline. Affected: yes.
Comment: Not observed at significant frequency in large population cohorts (gnomAD); In silico analysis supports that this missense variant has a deleterious effect on protein structure/function; Has not been previously published as pathogenic or benign to our knowledge